The following is an entry in ClinVar:

ClinVar aggregate classification (germline): Uncertain significance (1 of 4 stars; one submission).

gnomAD v4.1: 2 of 1,613,638 alleles (0.00012%); highest among the groups gnomAD compares: Non-Finnish European, 0.00017%; no homozygotes.

Submission:

Women's Health and Genetics/Laboratory Corporation of America, LabCorp
Classification: Uncertain significance. Last evaluated: 2024-06-06. Review status: criteria provided, single submitter. Criteria: LabCorp Variant Classification Summary - May 2015. Collection method: clinical testing. Allele origin: germline.
Comment: Variant summary: NPC1 c.221G>A (p.Cys74Tyr) results in a non-conservative amino acid change located in the Niemann-Pick C1, N-terminal domain (IPR032190) of the encoded protein sequence. Five of five in-silico tools predict a damaging effect of the variant on protein function. The variant was absent in 251226 control chromosomes (gnomAD). The available data on variant occurrences in the general population are insufficient to allow any conclusion about variant significance. c.221G>A has been reported in the literature in at least an individual affected with Niemann-Pick Disease Type C (example: Park_2003, Garver_2010). These report(s) do not provide unequivocal conclusions about association of the variant with Niemann-Pick Disease Type C. The following publications have been ascertained in the context of this evaluation (PMID: 19744920, 12955717). No submitters have cited clinical-significance assessments for this variant to ClinVar. Based on the evidence outlined above, the variant was classified as uncertain significance.

Literature cited by the submitters: PubMed 19744920; PubMed 12955717.

NM_000271.5(NPC1):c.221G>A (p.Cys74Tyr)

Gene: NPC1 (NPC intracellular cholesterol transporter 1; minus strand). Cytogenetic location: 18q11.2.
Variant type: single nucleotide variant.
Coding change: c.221G>A on transcript NM_000271.5 (MANE Select); coding-DNA position 221, G replaced by A.
Protein change: p.Cys74Tyr; replaces cysteine 74 with tyrosine.
Molecular consequence: missense variant.
Genome position (GRCh38, 1-based): chr18:23,572,140, C>T on the plus strand (G>A on the coding strand, the complement: NPC1 is on the minus strand). VCF-style: chr18-23572140-C-T. GRCh37 (hg19) VCF-style: chr18-21152104-C-T.
Other names: short protein forms C74Y.
Identifiers: ClinVar variation 3339723 (VCV003339723.1).